The following is an entry in ClinVar:

NM_000218.3(KCNQ1):c.1810dup (p.Gln604fs)

Genes: KCNQ1 (potassium voltage-gated channel subfamily Q member 1; plus strand), KCNQ1-AS1 (KCNQ1 antisense RNA 1; minus strand). Cytogenetic location: 11p15.4.
Variant type: Duplication.
Coding change: c.1810dup on transcript NM_000218.3 (MANE Select); coding-DNA position 1810, one base duplicated (C; older notation c.1810dupC).
Protein change: p.Gln604fs; shifts the reading frame from glutamine 604.
Molecular consequence: frameshift variant.
Genome position (GRCh38, 1-based): chr11:2,847,782, C duplicated; the last of 2 consecutive C bases (chr11:2,847,781-2,847,782); duplicating either gives the same sequence. VCF-style (leftmost placement, unchanged base first): chr11-2847780-A-AC. GRCh37 (hg19) VCF-style: chr11-2869010-A-AC.
Other names: c.1714dup, p.Gln572Profs (NM_001406836.1); c.1540dup, p.Gln514Profs (NM_001406837.1); c.1270dup, p.Gln424Profs (NM_001406838.1); c.322dup, p.Gln108Profs (NM_001406839.1); c.1429dup, p.Gln477Profs (NM_181798.2); short protein forms Q604fs, Q477fs.
Identifiers: ClinVar variation 928774 (VCV000928774.19), dbSNP rs1848361555, ClinGen allele CA1139661766.

ClinVar aggregate classification (germline): Conflicting classifications of pathogenicity. Review status: criteria provided, conflicting classifications (1 of 4 stars). 4 submissions from 4 submitters: Pathogenic (2); Likely pathogenic (1); Uncertain significance (1). Last evaluated 2025-08-24.

Conditions:
Cardiac arrhythmia. Also called: Arrhythmia; Cardiac rhythm disease. Identifiers: MedGen C0003811, MONDO:0007263, HP:0011675.
Long QT syndrome 1 (LQT1). Identifiers: Orphanet 101016, Orphanet 768, MedGen C4551647, MONDO:0100316, OMIM 192500, MONDO:0008646.
Long QT syndrome (LQTS). Identifiers: MedGen C0023976, MeSH D008133, MONDO:0002442. Disease mechanism: loss of function. Inheritance: Various modes of inheritance.

Submissions (4):

Labcorp Genetics (formerly Invitae), Labcorp
Classification: Pathogenic for Long QT syndrome. Last evaluated: 2025-08-24. Review status: criteria provided, single submitter. Criteria: Invitae Variant Classification Sherloc (09022015). Collection method: clinical testing. Allele origin: germline.
Comment: This sequence change creates a premature translational stop signal (p.Gln604Profs*48) in the KCNQ1 gene. While this is not anticipated to result in nonsense mediated decay, it is expected to disrupt the last 73 amino acid(s) of the KCNQ1 protein. This variant is not present in population databases (gnomAD no frequency). This premature translational stop signal has been observed in individual(s) with long QT syndrome (PMID: 19716085, 30847666). This variant is also known as 1811insC (D603fs+47X). ClinVar contains an entry for this variant (Variation ID: 928774). This variant disrupts a region of the KCNQ1 protein in which other variant(s) (p.Arg632Glnfs*20) have been determined to be pathogenic (PMID: 16981927, 19825999, 25187895). This suggests that this is a clinically significant region of the protein, and that variants that disrupt it are likely to be disease-causing. For these reasons, this variant has been classified as Pathogenic.

Institute of Human Genetics Munich, TUM University Hospital
Classification: Pathogenic for Long QT syndrome 1. Last evaluated: 2025-04-22. Review status: criteria provided, single submitter. Criteria: Classification criteria August 2017. Collection method: clinical testing. Allele origin: germline. Inheritance: Autosomal dominant inheritance. Affected: yes. Observed: 1 variant allele.

GeneDx
Classification: Uncertain significance. Last evaluated: 2020-05-26. Review status: criteria provided, single submitter. Criteria: GeneDx Variant Classification Process June 2021. Collection method: clinical testing. Allele origin: germline. Affected: yes.
Comment: Reported in one individual from a cohort of individuals referred for LQTS genetic testing; however, specific clinical details and segregation studies were not reported (Kapplinger et al., 2009); Not observed in large population cohorts (Lek et al., 2016); Frameshift variant predicted to result in protein truncation as the last 73 amino acids are lost and replaced with 47 incorrect amino acids; however, only a few loss-of-function variants have not been reported downstream of this position in the protein (Stenson et al., 2014); This variant is associated with the following publications: (PMID: 19716085, 30847666)

Women's Health and Genetics/Laboratory Corporation of America, LabCorp
Classification: Likely pathogenic for Arrhythmia. Last evaluated: 2019-12-09. Review status: criteria provided, single submitter. Criteria: LabCorp Variant Classification Summary - May 2015. Collection method: clinical testing. Allele origin: germline.
Comment: Variant summary: KCNQ1 c.1810dupC (p.Gln604ProfsX48) results in a premature termination codon, predicted to cause a truncation of the encoded protein or absence of the protein due to nonsense mediated decay, which are commonly known mechanisms for disease. The variant was absent in 185902 control chromosomes (gnomAD). c.1810dupC has been reported in the literature in an individual affected with Arrhythmia (Kapplinger_2009). These data do not allow any conclusion about variant significance. To our knowledge, no experimental evidence demonstrating an impact on protein function has been reported. No clinical diagnostic laboratories have submitted clinical-significance assessments for this variant to ClinVar after 2014. Based on the evidence outlined above, the variant was classified as likely pathogenic.

Literature cited by the submitters: PubMed 19716085 (cited by Labcorp Genetics (formerly Invitae), Labcorp and Women's Health and Genetics/Laboratory Corporation of America, LabCorp); PubMed 30847666 (cited by Labcorp Genetics (formerly Invitae), Labcorp); PubMed 16981927 (cited by Labcorp Genetics (formerly Invitae), Labcorp); PubMed 19825999 (cited by Labcorp Genetics (formerly Invitae), Labcorp); PubMed 25187895 (cited by Labcorp Genetics (formerly Invitae), Labcorp).